The following is an entry in ClinVar:

NM_001378454.1(ALMS1):c.8358dup (p.Ile2787fs)

Gene: ALMS1 (ALMS1 centrosome and basal body associated protein; plus strand). Cytogenetic location: 2p13.1.
Variant type: Duplication.
Coding change: c.8358dup on transcript NM_001378454.1 (MANE Select); coding-DNA position 8358, one base duplicated (T; older notation c.8358dupT).
Protein change: p.Ile2787fs; shifts the reading frame from isoleucine 2787.
Molecular consequence: frameshift variant.
Genome position (GRCh38, 1-based): chr2:73,490,317, T duplicated. VCF-style (leftmost placement, unchanged base first): chr2-73490316-C-CT. GRCh37 (hg19) VCF-style: chr2-73717443-C-CT.
Other names: c.8361dup, p.Ile2788fs (NM_015120.4); short protein forms I2787fs, I2788fs.
Identifiers: ClinVar variation 2132449 (VCV002132449.4), dbSNP rs2466215433, ClinGen allele CA2580068255.

ClinVar aggregate classification (germline): Pathogenic (1 of 4 stars; one submission).

Conditions:
Alstrom syndrome (ALMS). Identifiers: Orphanet 64, MedGen C0268425, MONDO:0008763, OMIM 203800.

Submission:

Labcorp Genetics (formerly Invitae), Labcorp
Classification: Pathogenic for Alstrom syndrome. Last evaluated: 2023-10-19. Review status: criteria provided, single submitter. Criteria: Invitae Variant Classification Sherloc (09022015). Collection method: clinical testing. Allele origin: germline.
Comment: This sequence change creates a premature translational stop signal (p.Ile2788Tyrfs*6) in the ALMS1 gene. It is expected to result in an absent or disrupted protein product. Loss-of-function variants in ALMS1 are known to be pathogenic (PMID: 17594715). This variant is not present in population databases (gnomAD no frequency). This premature translational stop signal has been observed in individual(s) with ALMS1-related conditions (PMID: 36178741). ClinVar contains an entry for this variant (Variation ID: 2132449). For these reasons, this variant has been classified as Pathogenic.

Literature cited by the submitters: PubMed 17594715; PubMed 36178741.